The following is an entry in ClinVar:

NM_001319074.4(RAX2):c.275C>T (p.Ser92Leu)

Gene: RAX2 (retina and anterior neural fold homeobox 2; minus strand). Cytogenetic location: 19p13.3.
Variant type: single nucleotide variant.
Coding change: c.275C>T on transcript NM_001319074.4 (MANE Select); coding-DNA position 275, C replaced by T.
Protein change: p.Ser92Leu; replaces serine 92 with leucine.
Molecular consequence: missense variant.
Genome position (GRCh38, 1-based): chr19:3,770,901, G>A on the plus strand (C>T on the coding strand, the complement: RAX2 is on the minus strand). VCF-style: chr19-3770901-G-A. GRCh37 (hg19) VCF-style: chr19-3770899-G-A.
Other names: c.275C>T, p.Ser92Leu (NM_032753.4); short protein forms S92L.
Identifiers: ClinVar variation 599132 (VCV000599132.13), dbSNP rs754730849, ClinGen allele CA9085058.

ClinVar aggregate classification (germline): Uncertain significance. Review status: criteria provided, multiple submitters, no conflicts (2 of 4 stars). 5 submissions from 5 submitters: Uncertain significance (4). 1 of the submissions does not count toward it. Last evaluated 2025-08-02.

Conditions:
RAX2-related disorder. Also called: RAX2-related disorders; RAX2-related condition.
Cone-rod dystrophy 11 (CORD11). Identifiers: Orphanet 1872, MedGen C1835865, MONDO:0012483, OMIM 610381.

Allele frequency attached by ClinVar (database versions not stated): ExAC below 0.00001; gnomAD exomes 0.00004; gnomAD 0.00009; TOPMed 0.00014.
gnomAD v4.1: 123 of 1,548,436 alleles (0.0079%); highest among the groups gnomAD compares: South Asian, 0.013%; no homozygotes.

Submissions (5):

PreventionGenetics, part of Exact Sciences
Classification: Uncertain significance for RAX2-related condition. Last evaluated: 2025-08-02. Review status: criteria provided, single submitter. Criteria: ACMG Guidelines, 2015. Collection method: clinical testing. Allele origin: germline.
Comment: The RAX2 c.275C>T variant is predicted to result in the amino acid substitution p.Ser92Leu. To our knowledge, this variant has not been reported in the literature. This variant is reported in 0.015% of alleles in individuals of East Asian descent in gnomAD. At this time, the clinical significance of this variant is uncertain due to the absence of conclusive functional and genetic evidence.

Labcorp Genetics (formerly Invitae), Labcorp
Classification: Uncertain significance. Last evaluated: 2025-03-31. Review status: criteria provided, single submitter. Criteria: Invitae Variant Classification Sherloc (09022015). Collection method: clinical testing. Allele origin: germline.
Comment: This sequence change replaces serine, which is neutral and polar, with leucine, which is neutral and non-polar, at codon 92 of the RAX2 protein (p.Ser92Leu). This variant is present in population databases (rs754730849, gnomAD 0.02%). This variant has not been reported in the literature in individuals affected with RAX2-related conditions. ClinVar contains an entry for this variant (Variation ID: 599132). An algorithm developed to predict the effect of missense changes on protein structure and function (PolyPhen-2) suggests that this variant is likely to be disruptive. In summary, the available evidence is currently insufficient to determine the role of this variant in disease. Therefore, it has been classified as a Variant of Uncertain Significance.

Ambry Genetics
Classification: Uncertain significance. Last evaluated: 2025-02-26. Review status: criteria provided, single submitter. Criteria: Ambry Variant Classification Scheme 2023. Collection method: clinical testing. Allele origin: germline.

Blueprint Genetics
Classification: Uncertain significance. Last evaluated: 2024-11-14. Review status: criteria provided, single submitter. Criteria: ACMG Guidelines, 2015. Collection method: clinical testing. Allele origin: germline.

Bioscientia Institut fuer Medizinische Diagnostik GmbH, Sonic Healthcare
Classification: Uncertain significance for Cone-rod dystrophy 11. Last evaluated: 2018-05-17. Review status: no assertion criteria provided. Collection method: clinical testing. Allele origin: germline. Affected: yes. Not counted in ClinVar's aggregate classification.